The following is an entry in ClinVar:

ClinVar aggregate classification (germline): Uncertain significance (1 of 4 stars; one submission).

Conditions:
Inborn genetic diseases. Identifiers: MedGen C0950123, MeSH D030342.

gnomAD v4.1: 5 of 1,614,072 alleles (0.00031%); highest among the groups gnomAD compares: Non-Finnish European, 0.00042%; no homozygotes.

Submission:

Ambry Genetics
Classification: Uncertain significance for Inborn genetic diseases. Last evaluated: 2026-05-15. Review status: criteria provided, single submitter. Criteria: Ambry Variant Classification Scheme 2023. Collection method: clinical testing. Allele origin: germline.
Comment: The p.D743H variant (also known as c.2227G>C), located in coding exon 8 of the MECOM gene, results from a G to C substitution at nucleotide position 2227. The aspartic acid at codon 743 is replaced by histidine, an amino acid with similar properties. This amino acid position is conserved. In addition, the in silico prediction for this alteration is inconclusive. Based on the available evidence, the clinical significance of this variant remains unclear.

NM_004991.4(MECOM):c.2227G>C (p.Asp743His)

Gene: MECOM (MDS1 and EVI1 complex locus; minus strand). Cytogenetic location: 3q26.2.
Variant type: single nucleotide variant.
Coding change: c.2227G>C on transcript NM_004991.4 (MANE Select); coding-DNA position 2227, G replaced by C.
Protein change: p.Asp743His; replaces aspartic acid 743 with histidine.
Molecular consequence: missense variant.
Genome position (GRCh38, 1-based): chr3:169,115,645, C>G on the plus strand (G>C on the coding strand, the complement: MECOM is on the minus strand). VCF-style: chr3-169115645-C-G. GRCh37 (hg19) VCF-style: chr3-168833433-C-G.
Other names: c.1858G>C, p.Asp620His (NM_001105077.4); c.1663G>C, p.Asp555His (NM_001105078.4, NM_001164000.2, NM_001205194.2 and 4 more transcripts); c.1666G>C, p.Asp556His (NM_001163999.2, NM_001366467.2, NM_001366468.2 and 1 more transcripts); c.2227G>C, p.Asp743His (NM_001366466.2); c.1255G>C, p.Asp419His (NM_001366473.2); c.691G>C, p.Asp231His (NM_001366474.2); short protein forms D231H, D419H, D555H, D556H, D620H, D743H.
Identifiers: ClinVar variation 4859783 (VCV004859783.1).